The following is an entry in ClinVar:

ClinVar aggregate classification (germline): Uncertain significance (1 of 4 stars; one submission).

Conditions:
RASopathy. Also called: rasopathies; Noonan spectrum disorder. Identifiers: Orphanet 536391, MedGen C5555857, MONDO:0021060.

Submission:

Labcorp Genetics (formerly Invitae), Labcorp
Classification: Uncertain significance for RASopathy. Last evaluated: 2023-10-29. Review status: criteria provided, single submitter. Criteria: Invitae Variant Classification Sherloc (09022015). Collection method: clinical testing. Allele origin: germline.
Comment: This sequence change replaces glycine, which is neutral and non-polar, with serine, which is neutral and polar, at codon 328 of the SOS1 protein (p.Gly328Ser). This variant is not present in population databases (gnomAD no frequency). This variant has not been reported in the literature in individuals affected with SOS1-related conditions. Advanced modeling of protein sequence and biophysical properties (such as structural, functional, and spatial information, amino acid conservation, physicochemical variation, residue mobility, and thermodynamic stability) performed at Invitae indicates that this missense variant is not expected to disrupt SOS1 protein function with a negative predictive value of 80%. In summary, the available evidence is currently insufficient to determine the role of this variant in disease. Therefore, it has been classified as a Variant of Uncertain Significance.

NM_005633.4(SOS1):c.982G>A (p.Gly328Ser)

Gene: SOS1 (SOS Ras/Rac guanine nucleotide exchange factor 1; minus strand). Cytogenetic location: 2p22.1.
Variant type: single nucleotide variant.
Coding change: c.982G>A on transcript NM_005633.4 (MANE Select); coding-DNA position 982, G replaced by A.
Protein change: p.Gly328Ser; replaces glycine 328 with serine.
Molecular consequence: missense variant.
Genome position (GRCh38, 1-based): chr2:39,035,304, C>T on the plus strand (G>A on the coding strand, the complement: SOS1 is on the minus strand). VCF-style: chr2-39035304-C-T. GRCh37 (hg19) VCF-style: chr2-39262445-C-T.
Other names: c.961G>A, p.Gly321Ser (NM_001382394.1); c.982G>A, p.Gly328Ser (NM_001382395.1); short protein forms G328S, G321S.
Identifiers: ClinVar variation 3003057 (VCV003003057.3), dbSNP rs1215944824, ClinGen allele CA346367257.
Genomic context (GRCh38, chr2:39,035,304, plus strand): 5'-AAACAGGGGCCAGAAGCAGCCTGGGTAAAACATATTGAACAGCTTCTTTGAAACCTTCGC[C>T]TATTGACTGGAAAAAAAAGTGATTTAATTTTTTTTTTAAGTTTACTTTTCAGACATTGTA-3'
Protein context (NP_005624.2, residues 318-338): PGAALYLQSI[Gly328Ser]EGFKEAVQYV